The following is an entry in ClinVar:

ClinVar aggregate classification (germline): Uncertain significance (1 of 4 stars; one submission).

Conditions:
Hereditary cancer-predisposing syndrome. Also called: Neoplastic Syndromes, Hereditary; Tumor predisposition; Hereditary Cancer Syndrome; Hereditary neoplastic syndrome. Identifiers: Orphanet 140162, MedGen C0027672, MeSH D009386, MONDO:0015356.

Submission:

Ambry Genetics
Classification: Uncertain significance for Hereditary cancer-predisposing syndrome. Last evaluated: 2025-10-08. Review status: criteria provided, single submitter. Criteria: Ambry Variant Classification Scheme 2023. Collection method: clinical testing. Allele origin: germline.
Comment: The p.G839E variant (also known as c.2516G>A), located in coding exon 22 of the POLE gene, results from a G to A substitution at nucleotide position 2516. The glycine at codon 839 is replaced by glutamic acid, an amino acid with similar properties. This amino acid position is highly conserved in available vertebrate species. In addition, this alteration is predicted to be deleterious by in silico analysis. Based on the available evidence, the clinical significance of this variant remains unclear.

NM_006231.4(POLE):c.2516G>A (p.Gly839Glu)

Gene: POLE (DNA polymerase epsilon, catalytic subunit; minus strand). Cytogenetic location: 12q24.33.
Variant type: single nucleotide variant.
Coding change: c.2516G>A on transcript NM_006231.4 (MANE Select); coding-DNA position 2516, G replaced by A.
Protein change: p.Gly839Glu; replaces glycine 839 with glutamic acid.
Molecular consequence: missense variant.
Genome position (GRCh38, 1-based): chr12:132,664,415, C>T on the plus strand (G>A on the coding strand, the complement: POLE is on the minus strand). VCF-style: chr12-132664415-C-T. GRCh37 (hg19) VCF-style: chr12-133241001-C-T.
Other names: short protein forms G839E.
Identifiers: ClinVar variation 4671576 (VCV004671576.1).